The following is an entry in ClinVar:

NM_005751.5(AKAP9):c.6974G>A (p.Arg2325Lys)

Gene: AKAP9 (A-kinase anchoring protein 9; plus strand). Cytogenetic location: 7q21.2.
Variant type: single nucleotide variant.
Coding change: c.6974G>A on transcript NM_005751.5 (MANE Select); coding-DNA position 6974, G replaced by A.
Protein change: p.Arg2325Lys; replaces arginine 2325 with lysine.
Molecular consequence: missense variant.
Genome position (GRCh38, 1-based): chr7:92,079,107, G>A. VCF-style: chr7-92079107-G-A. GRCh37 (hg19) VCF-style: chr7-91708421-G-A.
Other names: p.R2325K:AGG>AAG; c.1619G>A, p.Arg540Lys (NM_001379277.1); c.6950G>A, p.Arg2317Lys (NM_147185.3); short protein forms R2325K, R2317K, R540K.
Identifiers: ClinVar variation 190489 (VCV000190489.2), dbSNP rs786205708, ClinGen allele CA300618.
Genomic context (GRCh38, chr7:92,079,107, plus strand): 5'-TTATGTATGTTACCTTTTTCATTAATTATTAGGTTATTGAAGAAAAAAATGAACTGATAA[G>A]GGATCTTGAAACCCAAATAGAATGTTTGATGAGTGATCAAGAATGTGTGAAGAGAAATAG-3'
Protein context (NP_005742.4, residues 2315-2335): KVIEEKNELI[Arg2325Lys]DLETQIECLM

ClinVar aggregate classification (germline): Likely benign. Review status: criteria provided, multiple submitters, no conflicts (2 of 4 stars). 2 submissions from 2 submitters: Likely benign (2). Last evaluated 2018-11-16.

Allele frequency attached by ClinVar (database versions not stated): gnomAD exomes below 0.00001.
gnomAD v4.1: 2 of 1,611,482 alleles (0.00012%); highest among the groups gnomAD compares: Admixed American, 0.0033%; no homozygotes.

Submissions (2):

Blueprint Genetics
Classification: Likely benign. Last evaluated: 2018-11-16. Review status: criteria provided, single submitter. Criteria: ACMG Guidelines, 2015. Collection method: clinical testing. Allele origin: germline.

GeneDx
Classification: Likely benign. Last evaluated: 2011-10-19. Review status: criteria provided, single submitter. Criteria: GeneDx Variant Classification (06012015). Collection method: clinical testing. Allele origin: germline. Affected: yes.
Comment: This variant is considered likely benign or benign based on one or more of the following criteria: it is a conservative change, it occurs at a poorly conserved position in the protein, it is predicted to be benign by multiple in silico algorithms, and/or has population frequency not consistent with disease.